The following is an entry in ClinVar:

ClinVar aggregate classification (germline): Uncertain significance. Review status: criteria provided, multiple submitters, no conflicts (2 of 4 stars). 2 submissions from 2 submitters: Uncertain significance (2). Last evaluated 2025-06-17.

Conditions:
Cardiovascular phenotype. Identifiers: MedGen CN230736.
Long QT syndrome (LQTS). Identifiers: MedGen C0023976, MeSH D008133, MONDO:0002442. Disease mechanism: loss of function. Inheritance: Various modes of inheritance.

gnomAD v4.1: 5 of 1,613,800 alleles (0.00031%); highest among the groups gnomAD compares: Admixed American, 0.0083%; no homozygotes.

Submissions (2):

Ambry Genetics
Classification: Uncertain significance for Cardiovascular phenotype. Last evaluated: 2025-06-17. Review status: criteria provided, single submitter. Criteria: Ambry Variant Classification Scheme 2023. Collection method: clinical testing. Allele origin: germline.
Comment: The p.S2972F variant (also known as c.8915C>T), located in coding exon 36 of the AKAP9 gene, results from a C to T substitution at nucleotide position 8915. The serine at codon 2972 is replaced by phenylalanine, an amino acid with highly dissimilar properties. This amino acid position is conserved. In addition, this alteration is predicted to be tolerated by in silico analysis. Based on the available evidence, the clinical significance of this variant remains unclear.

Labcorp Genetics (formerly Invitae), Labcorp
Classification: Uncertain significance for Long QT syndrome. Last evaluated: 2025-04-19. Review status: criteria provided, single submitter. Criteria: Invitae Variant Classification Sherloc (09022015). Collection method: clinical testing. Allele origin: germline.
Comment: This sequence change replaces serine, which is neutral and polar, with phenylalanine, which is neutral and non-polar, at codon 2972 of the AKAP9 protein (p.Ser2972Phe). This variant is present in population databases (rs768882659, gnomAD 0.01%). This variant has not been reported in the literature in individuals affected with AKAP9-related conditions. An algorithm developed to predict the effect of missense changes on protein structure and function outputs the following: PolyPhen-2: "Benign". The phenylalanine amino acid residue is found in multiple mammalian species, which suggests that this missense change does not adversely affect protein function. In summary, the available evidence is currently insufficient to determine the role of this variant in disease. Therefore, it has been classified as a Variant of Uncertain Significance.

NM_005751.5(AKAP9):c.8915C>T (p.Ser2972Phe)

Gene: AKAP9 (A-kinase anchoring protein 9; plus strand). Cytogenetic location: 7q21.2.
Variant type: single nucleotide variant.
Coding change: c.8915C>T on transcript NM_005751.5 (MANE Select); coding-DNA position 8915, C replaced by T.
Protein change: p.Ser2972Phe; replaces serine 2972 with phenylalanine.
Molecular consequence: missense variant.
Genome position (GRCh38, 1-based): chr7:92,085,577, C>T. VCF-style: chr7-92085577-C-T. GRCh37 (hg19) VCF-style: chr7-91714891-C-T.
Other names: c.3560C>T, p.Ser1187Phe (NM_001379277.1); c.8891C>T, p.Ser2964Phe (NM_147185.3); short protein forms S2964F, S2972F, S1187F.
Identifiers: ClinVar variation 4264930 (VCV004264930.2).